The following is an entry in ClinVar:

ClinVar aggregate classification (germline): Uncertain significance (1 of 4 stars; one submission).

Conditions:
Cataract 20 multiple types (CTRCT20). Also called: Membranous cataract. Identifiers: Orphanet 91492, MedGen C0524524, MONDO:0007284, OMIM 116100, HP:0010922.

Submission:

Labcorp Genetics (formerly Invitae), Labcorp
Classification: Uncertain significance for Cataract 20 multiple types. Last evaluated: 2025-08-09. Review status: criteria provided, single submitter. Criteria: Invitae Variant Classification Sherloc (09022015). Collection method: clinical testing. Allele origin: germline.
Comment: This sequence change affects the initiator codon of the CRYGS mRNA. This change may impact translation initiation or efficiency. The next in-frame methionine is located at codon 59. This variant is not present in population databases (gnomAD no frequency). This variant has not been reported in the literature in individuals affected with CRYGS-related conditions. Experimental studies and prediction algorithms are not available or were not evaluated, and the functional significance of this variant is currently unknown. In summary, the available evidence is currently insufficient to determine the role of this variant in disease. Therefore, it has been classified as a Variant of Uncertain Significance.

NM_017541.4(CRYGS):c.3G>A (p.Met1Ile)

Gene: CRYGS (crystallin gamma S; minus strand). Cytogenetic location: 3q27.3.
Variant type: single nucleotide variant.
Coding change: c.3G>A on transcript NM_017541.4 (MANE Select); coding-DNA position 3, G replaced by A.
Protein change: p.Met1Ile; changes the start codon (methionine 1).
Molecular consequence: missense variant, initiator codon variant.
Genome position (GRCh38, 1-based): chr3:186,544,324, C>T on the plus strand (G>A on the coding strand, the complement: CRYGS is on the minus strand). VCF-style: chr3-186544324-C-T. GRCh37 (hg19) VCF-style: chr3-186262113-C-T.
Other names: short protein forms M1I.
Identifiers: ClinVar variation 4812048 (VCV004812048.1).